The following is an entry in ClinVar:

NM_138694.4(PKHD1):c.5291del (p.Asn1764fs)

Gene: PKHD1 (PKHD1 ciliary IPT domain containing fibrocystin/polyductin; minus strand). Cytogenetic location: 6p12.2.
Variant type: Deletion.
Coding change: c.5291del on transcript NM_138694.4 (MANE Select); coding-DNA position 5291, one base deleted (A; older notation c.5291delA).
Protein change: p.Asn1764fs; shifts the reading frame from asparagine 1764.
Molecular consequence: frameshift variant.
Genome position (GRCh38, 1-based): chr6:52,022,890, T deleted on the plus strand (A on the coding strand, the reverse complement: PKHD1 is on the minus strand); the first of 2 consecutive T bases (chr6:52,022,890-52,022,891); deleting either gives the same sequence. VCF-style (leftmost placement, unchanged base first): chr6-52022889-AT-A. GRCh37 (hg19) VCF-style: chr6-51887687-AT-A.
Other names: c.5291del, p.Asn1764fs (NM_170724.3); short protein forms N1764fs.
Identifiers: ClinVar variation 4816692 (VCV004816692.2).
Genomic context (GRCh38, chr6:52,022,889, plus strand): 5'-GGCAGACACTGTAGCATTAGCCAGGACTCGGCAGGGAGCACCACACACAGCAGCTGAGAC[AT>A]TCCCTGGAGAAAATCCCGCTCCAAACACATGCACCAGCCTTCCACCCAGGCAGCCTTTAA-3'

ClinVar aggregate classification (germline): Pathogenic/Likely pathogenic. Review status: criteria provided, multiple submitters, no conflicts (2 of 4 stars). 2 submissions from 2 submitters: Pathogenic (1); Likely pathogenic (1). Last evaluated 2024-08-31.

Conditions:
Polycystic kidney disease 4 (PKD4). Also called: Autosomal Recessive Polycystic Kidney Disease – PKHD1; POLYCYSTIC KIDNEY AND HEPATIC DISEASE 1; POLYCYSTIC KIDNEY DISEASE, INFANTILE, TYPE I; POLYCYSTIC KIDNEY DISEASE 4 WITH OR WITHOUT POLYCYSTIC LIVER DISEASE; PKD3. Identifiers: MedGen C4540575, MONDO:0033004, OMIM 263200.
Autosomal recessive polycystic kidney disease (ARPKD). Also called: AR polycystic kidney disease. Identifiers: Orphanet 731, Orphanet 8378, MedGen C0085548, MeSH D017044, MONDO:0009889.

Submissions (2):

Myriad Genetics, Inc.
Classification: Pathogenic for Polycystic kidney disease 4. Last evaluated: 2024-08-31. Review status: criteria provided, single submitter. Criteria: Myriad Autosomal Dominant, Autosomal Recessive and X-Linked Classification Criteria (2023). Collection method: clinical testing. Allele origin: unknown.
Comment: NM_138694.3(PKHD1):c.5291delA(N1764Mfs*39) is expected to be pathogenic in the context of autosomal recessive polycystic kidney disease, PKHD1-related. This variant is predicted to lead to an abnormal or absent protein product due to the creation of a premature termination codon in PKHD1, a gene where loss-of-function variants are known to be pathogenic. Please note: this variant was assessed in the context of healthy population screening.

Natera, Inc.
Classification: Likely pathogenic for Autosomal recessive polycystic kidney disease. Last evaluated: 2024-05-15. Review status: criteria provided, single submitter. Criteria: Natera Variant Classification Schema (03/2026). Collection method: clinical testing. Allele origin: germline.
Comment: The c.5291delA variant in PKHD1 is a frameshift variant predicted to shift the reading frame beginning at codon 1764 and leads to a stop codon 39 codons downstream. This variant is expected to result in nonsense mediated decay, truncation, or a dysfunctional protein product. This variant is rare in the general population with a frequency below the threshold expected for the associated phenotype(s). Given the available evidence, this variant is classified as Likely Pathogenic.